The following is an entry in ClinVar:

ClinVar aggregate classification (germline): Uncertain significance (1 of 4 stars; one submission).

Conditions:
Cardiomyopathy (CMYO). Also called: Cardiomyopathies. Identifiers: Orphanet 167848, MedGen C0878544, MONDO:0004994, HP:0001638. Inheritance: Various modes of inheritance.

Submission:

All of Us Research Program, National Institutes of Health
Classification: Uncertain significance for Cardiomyopathy. Last evaluated: 2023-06-26. Review status: criteria provided, single submitter. Criteria: ACMG Guidelines, 2015. Collection method: clinical testing. Allele origin: germline. Inheritance: Autosomal dominant inheritance. Observed: 1 variant allele, 1 heterozygote.
Comment: This missense variant replaces threonine with asparagine at codon 1307 of the MYH7 protein. Computational prediction suggests that this variant may not impact protein structure and function (internally defined REVEL score threshold <= 0.5, PMID: 27666373). To our knowledge, functional studies have not been reported for this variant. This variant has not been reported in individuals affected with MYH7-related disorders in the literature. This variant has not been identified in the general population by the Genome Aggregation Database (gnomAD). The available evidence is insufficient to determine the role of this variant in disease conclusively. Therefore, this variant is classified as a Variant of Uncertain Significance.

This study involves interpretation of variants in research participants for the purpose of population health screening. Participant phenotype was not available at the time of variant classification. Additional details can be found in publication PMID: 35346344, PMCID: PMC8962531

NM_000257.4(MYH7):c.3920C>A (p.Thr1307Asn)

Gene: MYH7 (myosin heavy chain 7; minus strand). Cytogenetic location: 14q11.2.
Variant type: single nucleotide variant.
Coding change: c.3920C>A on transcript NM_000257.4 (MANE Select); coding-DNA position 3920, C replaced by A.
Protein change: p.Thr1307Asn; replaces threonine 1307 with asparagine.
Molecular consequence: missense variant.
Genome position (GRCh38, 1-based): chr14:23,419,229, G>T on the plus strand (C>A on the coding strand, the complement: MYH7 is on the minus strand). VCF-style: chr14-23419229-G-T. GRCh37 (hg19) VCF-style: chr14-23888438-G-T.
Other names: c.3920C>A, p.Thr1307Asn (NM_001407004.1); short protein forms T1307N.
Identifiers: ClinVar variation 3072005 (VCV003072005.1), dbSNP rs2502260307, ClinGen allele CA389041595.